The following is an entry in ClinVar:

NM_000180.4(GUCY2D):c.1120T>G (p.Ser374Ala)

Gene: GUCY2D (guanylate cyclase 2D, retinal; plus strand). Cytogenetic location: 17p13.1.
Variant type: single nucleotide variant.
Coding change: c.1120T>G on transcript NM_000180.4 (MANE Select); coding-DNA position 1120, T replaced by G.
Protein change: p.Ser374Ala; replaces serine 374 with alanine.
Molecular consequence: missense variant.
Genome position (GRCh38, 1-based): chr17:8,006,456, T>G. VCF-style: chr17-8006456-T-G. GRCh37 (hg19) VCF-style: chr17-7909774-T-G.
Other names: short protein forms S374A.
Identifiers: ClinVar variation 1467413 (VCV001467413.8), dbSNP rs749607771, ClinGen allele CA397947785.

ClinVar aggregate classification (germline): Uncertain significance (1 of 4 stars; one submission).

Conditions:
Leber congenital amaurosis 1 (LCA1). Also called: AMAUROSIS CONGENITA OF LEBER I; RETINAL BLINDNESS, CONGENITAL; Congenital absence of the rods and cones; Leber's congenital tapetoretinal degeneration; Leber's congenital tapetoretinal dysplasia. Identifiers: Orphanet 65, MedGen C2931258, MONDO:0008764, OMIM 204000.
Cone-rod dystrophy 6 (CORD6). Also called: Cone dystrophy progressive; RETINAL CONE DYSTROPHY 2. Identifiers: Orphanet 1872, MedGen C1866293, MONDO:0011143, OMIM 601777.

gnomAD v4.1: 1 of 1,605,362 alleles (0.000062%); highest among the groups gnomAD compares: Non-Finnish European, 0.000085%; no homozygotes.

Submission:

Labcorp Genetics (formerly Invitae), Labcorp
Classification: Uncertain significance for Leber congenital amaurosis 1; Cone-rod dystrophy 6. Last evaluated: 2023-08-30. Review status: criteria provided, single submitter. Criteria: Invitae Variant Classification Sherloc (09022015). Collection method: clinical testing. Allele origin: germline.
Comment: In summary, the available evidence is currently insufficient to determine the role of this variant in disease. Therefore, it has been classified as a Variant of Uncertain Significance. Advanced modeling of protein sequence and biophysical properties (such as structural, functional, and spatial information, amino acid conservation, physicochemical variation, residue mobility, and thermodynamic stability) performed at Invitae indicates that this missense variant is not expected to disrupt GUCY2D protein function. ClinVar contains an entry for this variant (Variation ID: 1467413). This variant has not been reported in the literature in individuals affected with GUCY2D-related conditions. This variant is not present in population databases (gnomAD no frequency). This sequence change replaces serine, which is neutral and polar, with alanine, which is neutral and non-polar, at codon 374 of the GUCY2D protein (p.Ser374Ala).